The following is an entry in ClinVar:

ClinVar aggregate classification (germline): Uncertain significance (1 of 4 stars; one submission).

Conditions:
Cohen syndrome (COH1). Also called: PEPPER SYNDROME; Cutis verticis gyrata, retinitis pigmentosa, and sensorineural deafness. Identifiers: Orphanet 193, MedGen C0265223, MONDO:0008999, OMIM 216550.

Allele frequency attached by ClinVar (database versions not stated): gnomAD exomes below 0.00001.
gnomAD v4.1: 9 of 1,614,194 alleles (0.00056%); highest among the groups gnomAD compares: African/African-American, 0.0053%; no homozygotes.

Submission:

Labcorp Genetics (formerly Invitae), Labcorp
Classification: Uncertain significance for Cohen syndrome. Last evaluated: 2022-09-22. Review status: criteria provided, single submitter. Criteria: Invitae Variant Classification Sherloc (09022015). Collection method: clinical testing. Allele origin: germline.
Comment: This sequence change replaces serine, which is neutral and polar, with arginine, which is basic and polar, at codon 2079 of the VPS13B protein (p.Ser2079Arg). This variant is not present in population databases (gnomAD no frequency). This variant has not been reported in the literature in individuals affected with VPS13B-related conditions. Advanced modeling of protein sequence and biophysical properties (such as structural, functional, and spatial information, amino acid conservation, physicochemical variation, residue mobility, and thermodynamic stability) performed at Invitae indicates that this missense variant is not expected to disrupt VPS13B protein function. In summary, the available evidence is currently insufficient to determine the role of this variant in disease. Therefore, it has been classified as a Variant of Uncertain Significance.

NM_152564.5(VPS13B):c.6160A>C (p.Ser2054Arg)

Gene: VPS13B (vacuolar protein sorting 13 homolog B; plus strand). Cytogenetic location: 8q22.2.
Variant type: single nucleotide variant.
Coding change: c.6160A>C on transcript NM_152564.5 (MANE Select); coding-DNA position 6160, A replaced by C.
Protein change: p.Ser2054Arg; replaces serine 2054 with arginine.
Molecular consequence: missense variant.
Genome position (GRCh38, 1-based): chr8:99,699,638, A>C. VCF-style: chr8-99699638-A-C. GRCh37 (hg19) VCF-style: chr8-100711866-A-C.
Other names: c.6235A>C, p.Ser2079Arg (NM_017890.5); short protein forms S2079R, S2054R.
Identifiers: ClinVar variation 2159012 (VCV002159012.1), dbSNP rs2491483850, ClinGen allele CA371874374.